The following is an entry in ClinVar:

ClinVar aggregate classification (germline): Uncertain significance (1 of 4 stars; one submission).

Conditions:
Idiopathic Pulmonary Fibrosis. Also called: Idiopathic fibrosing alveolitis, chronic form; idiopathic fibrosing alveolitis. Identifiers: Orphanet 2032, MedGen C1800706, MeSH D054990, MONDO:0800504.
Dyskeratosis congenita, autosomal dominant 2. Identifiers: MedGen C3151443, MONDO:0013521, OMIM 613989.

Submission:

Labcorp Genetics (formerly Invitae), Labcorp
Classification: Uncertain significance for Dyskeratosis congenita, autosomal dominant 2; Idiopathic Pulmonary Fibrosis. Last evaluated: 2018-12-15. Review status: criteria provided, single submitter. Criteria: Invitae Variant Classification Sherloc (09022015). Collection method: clinical testing. Allele origin: germline.
Comment: This sequence change falls in intron 7 of the TERT gene. It does not directly change the encoded amino acid sequence of the TERT protein, but it affects a nucleotide within the consensus splice site of the intron. This variant is not present in population databases (ExAC no frequency). This variant has not been reported in the literature in individuals with TERT-related conditions. Nucleotide substitutions within the consensus splice site are a relatively common cause of aberrant splicing (PMID: 17576681, 9536098). Algorithms developed to predict the effect of sequence changes on RNA splicing suggest that this variant is not likely to affect RNA splicing, but this prediction has not been confirmed by published transcriptional studies. In summary, the available evidence is currently insufficient to determine the role of this variant in disease. Therefore, it has been classified as a Variant of Uncertain Significance.

Literature cited by the submitters: PubMed 17576681; PubMed 9536098.

NM_198253.3(TERT):c.2382+3C>T

Gene: TERT (telomerase reverse transcriptase; minus strand). Cytogenetic location: 5p15.33.
Variant type: single nucleotide variant.
Coding change: c.2382+3C>T on transcript NM_198253.3 (MANE Select); 3 bases into the intron after coding-DNA position 2382, C replaced by T.
Molecular consequence: intron variant.
Genome position (GRCh38, 1-based): chr5:1,272,182, G>A on the plus strand (C>T on the coding strand, the complement: TERT is on the minus strand). VCF-style: chr5-1272182-G-A. GRCh37 (hg19) VCF-style: chr5-1272297-G-A.
Other names: c.2382+3C>T (NM_001193376.3).
Identifiers: ClinVar variation 656941 (VCV000656941.9), dbSNP rs1579564797, ClinGen allele CA915943244.